The following is an entry in ClinVar:

ClinVar aggregate classification (germline): Uncertain significance (1 of 4 stars; one submission).

Conditions:
Congenital disorder of glycosylation, type Iaa. Also called: Congenital disorder of glycosylation, type 1aa. Identifiers: MedGen C4310727, MONDO:0014904, OMIM 617082.

Submission:

Labcorp Genetics (formerly Invitae), Labcorp
Classification: Uncertain significance for Congenital disorder of glycosylation, type Iaa. Last evaluated: 2022-12-13. Review status: criteria provided, single submitter. Criteria: Invitae Variant Classification Sherloc (09022015). Collection method: clinical testing. Allele origin: germline.
Comment: In summary, the available evidence is currently insufficient to determine the role of this variant in disease. Therefore, it has been classified as a Variant of Uncertain Significance. Algorithms developed to predict the effect of missense changes on protein structure and function are either unavailable or do not agree on the potential impact of this missense change (SIFT: "Tolerated"; PolyPhen-2: "Possibly Damaging"; Align-GVGD: "Class C0"). This variant has not been reported in the literature in individuals affected with NUS1-related conditions. This variant is not present in population databases (gnomAD no frequency). This sequence change replaces arginine, which is basic and polar, with proline, which is neutral and non-polar, at codon 20 of the NUS1 protein (p.Arg20Pro).

NM_138459.5(NUS1):c.59G>C (p.Arg20Pro)

Gene: NUS1 (NUS1 dehydrodolichyl diphosphate synthase subunit; plus strand). Cytogenetic location: 6q22.1.
Variant type: single nucleotide variant.
Coding change: c.59G>C on transcript NM_138459.5 (MANE Select); coding-DNA position 59, G replaced by C.
Protein change: p.Arg20Pro; replaces arginine 20 with proline.
Molecular consequence: missense variant.
Genome position (GRCh38, 1-based): chr6:117,675,729, G>C. VCF-style: chr6-117675729-G-C. GRCh37 (hg19) VCF-style: chr6-117996892-G-C.
Other names: short protein forms R20P.
Identifiers: ClinVar variation 2820331 (VCV002820331.3), dbSNP rs529145043, ClinGen allele CA365535813.
Genomic context (GRCh38, chr6:117,675,729, plus strand): 5'-GTATGACGGGGCTGTACGAGCTGGTGTGGCGGGTGCTGCACGCGCTGCTCTGTCTGCACC[G>C]CACGCTCACCTCCTGGCTCCGCGTTCGGTTCGGCACCTGGAACTGGATCTGGCGGCGCTG-3'
Protein context (NP_612468.1, residues 10-30): RVLHALLCLH[Arg20Pro]TLTSWLRVRF